The following is an entry in ClinVar:

NM_006767.4(LZTR1):c.847C>T (p.Arg283Trp)

Gene: LZTR1 (leucine zipper like post translational regulator 1; plus strand). Cytogenetic location: 22q11.21.
Variant type: single nucleotide variant.
Coding change: c.847C>T on transcript NM_006767.4 (MANE Select); coding-DNA position 847, C replaced by T.
Protein change: p.Arg283Trp; replaces arginine 283 with tryptophan.
Molecular consequence: missense variant.
Genome position (GRCh38, 1-based): chr22:20,991,683, C>T. VCF-style: chr22-20991683-C-T. GRCh37 (hg19) VCF-style: chr22-21345972-C-T.
Other names: c.847C>T (NM_006767.3); short protein forms R283W.
Identifiers: ClinVar variation 1445484 (VCV001445484.8), dbSNP rs1346699262, ClinGen allele CA410781237.

ClinVar aggregate classification (germline): Uncertain significance. Review status: criteria provided, multiple submitters, no conflicts (2 of 4 stars). 3 submissions from 3 submitters: Uncertain significance (3). Last evaluated 2025-11-09.

Conditions:
Hereditary cancer-predisposing syndrome. Also called: Tumor predisposition; Hereditary Cancer Syndrome; Hereditary neoplastic syndrome; Neoplastic Syndromes, Hereditary. Identifiers: Orphanet 140162, MedGen C0027672, MeSH D009386, MONDO:0015356.
Cardiovascular phenotype. Identifiers: MedGen CN230736.
LZTR1-related schwannomatosis. Also called: Schwannomatosis-2, susceptibility to; Schwannomatosis 2. Identifiers: Orphanet 93921, MedGen C3810283, MONDO:0014299, OMIM 615670.

Allele frequency attached by ClinVar (database versions not stated): gnomAD exomes below 0.00001.
gnomAD v4.1: 3 of 1,603,738 alleles (0.00019%); highest among the groups gnomAD compares: Admixed American, 0.0017%; no homozygotes.

Submissions (3):

Labcorp Genetics (formerly Invitae), Labcorp
Classification: Uncertain significance. Last evaluated: 2025-11-09. Review status: criteria provided, single submitter. Criteria: Invitae Variant Classification Sherloc (09022015). Collection method: clinical testing. Allele origin: germline.
Comment: This sequence change replaces arginine, which is basic and polar, with tryptophan, which is neutral and slightly polar, at codon 283 of the LZTR1 protein (p.Arg283Trp). The frequency data for this variant in the population databases is considered unreliable, as metrics indicate poor data quality at this position in the gnomAD database. This variant has not been reported in the literature in individuals affected with LZTR1-related conditions. ClinVar contains an entry for this variant (Variation ID: 1445484). Invitae Evidence Modeling of protein sequence and biophysical properties (such as structural, functional, and spatial information, amino acid conservation, physicochemical variation, residue mobility, and thermodynamic stability) indicates that this missense variant is not expected to disrupt LZTR1 protein function with a negative predictive value of 80%. This variant disrupts the p.Arg283 amino acid residue in LZTR1. Other variant(s) that disrupt this residue have been determined to be pathogenic (PMID: 30368668; internal data). This suggests that this residue is clinically significant, and that variants that disrupt this residue are likely to be disease-causing. In summary, the available evidence is currently insufficient to determine the role of this variant in disease. Therefore, it has been classified as a Variant of Uncertain Significance.

Ambry Genetics
Classification: Uncertain significance for Cardiovascular phenotype; Hereditary cancer-predisposing syndrome. Last evaluated: 2023-10-06. Review status: criteria provided, single submitter. Criteria: Ambry Variant Classification Scheme 2023. Collection method: clinical testing. Allele origin: germline.
Comment: The p.R283W variant (also known as c.847C>T), located in coding exon 9 of the LZTR1 gene, results from a C to T substitution at nucleotide position 847. The arginine at codon 283 is replaced by tryptophan, an amino acid with dissimilar properties. This amino acid position is highly conserved in available vertebrate species. In addition, this alteration is predicted to be deleterious by in silico analysis. Since supporting evidence is limited at this time, the clinical significance of this alteration remains unclear.

Baylor Genetics
Classification: Uncertain significance for LZTR1-related schwannomatosis. Last evaluated: 2023-07-26. Review status: criteria provided, single submitter. Criteria: ACMG Guidelines, 2015. Collection method: clinical testing. Allele origin: unknown.

Literature cited by the submitters: PubMed 30368668 (cited by Labcorp Genetics (formerly Invitae), Labcorp).